The following is an entry in ClinVar:

ClinVar aggregate classification (germline): Uncertain significance (1 of 4 stars; one submission).

Submission:

GeneDx
Classification: Uncertain significance. Last evaluated: 2024-03-26. Review status: criteria provided, single submitter. Criteria: GeneDx Variant Classification Process June 2021. Collection method: clinical testing. Allele origin: germline. Affected: yes.
Comment: Not observed at significant frequency in large population cohorts (gnomAD); In silico analysis supports that this missense variant does not alter protein structure/function; In silico analysis suggests this variant may impact gene splicing. In the absence of RNA/functional studies, the actual effect of this sequence change is unknown.; Has not been previously published as pathogenic or benign to our knowledge

NM_006545.5(NPRL2):c.813A>C (p.Gln271His)

Gene: NPRL2 (NPR2 like, GATOR1 complex subunit; minus strand). Cytogenetic location: 3p21.31.
Variant type: single nucleotide variant.
Coding change: c.813A>C on transcript NM_006545.5 (MANE Select); coding-DNA position 813, A replaced by C.
Protein change: p.Gln271His; replaces glutamine 271 with histidine.
Molecular consequence: missense variant.
Genome position (GRCh38, 1-based): chr3:50,348,318, T>G on the plus strand (A>C on the coding strand, the complement: NPRL2 is on the minus strand). VCF-style: chr3-50348318-T-G. GRCh37 (hg19) VCF-style: chr3-50385749-T-G.
Other names: short protein forms Q271H.
Identifiers: ClinVar variation 3371657 (VCV003371657.1).